The following is an entry in ClinVar:

ClinVar aggregate classification (germline): Pathogenic. Review status: no assertion criteria provided (0 of 4 stars). 2 submissions from 2 submitters: Pathogenic (2). Last evaluated 2024-10-15.

Conditions:
Pyruvate dehydrogenase E1-alpha deficiency (PDHAD). Also called: ATAXIA, INTERMITTENT, WITH PYRUVATE DEHYDROGENASE DEFICIENCY; ATAXIA WITH LACTIC ACIDOSIS I; ATAXIA, INTERMITTENT, WITH ABNORMAL PYRUVATE METABOLISM; Ataxia, intermittent, with pyruvate dehydrogenase, or decarboxylase, deficiency. Identifiers: Orphanet 79243, MedGen C1839413, MONDO:0010717, OMIM 312170.

Submissions (2):

PDHA1 Study Group, University Children’s Hospital, Paracelsus Medical University
Classification: Pathogenic for Pyruvate dehydrogenase E1-alpha deficiency. Last evaluated: 2024-10-15. Review status: no assertion criteria provided. Collection method: research. Allele origin: de novo. Affected: yes. Observed: 3 variant alleles.
Comment: The NM_000284.3:c.861_862insT (p.Arg288SerfsTer9) change is a frameshift variant in PDHA1 gene. This variant is predicted to result in nonsense-mediated decay (NMD). In total, 3 individuals were diagnosed with PDHA1-related Pyruvate dehydrogenase complex (PDHc) deficiency (MIM #312170). Among them, 1 case had confirmed de novo occurrence. The variant has been reported in 1 published case (PMIDs: 8032855). Additional 2 unpublished cases from internal data are included. Last literature search: July 12, 2024. This variant is absent or extremely rare in population-based cohorts in the Genome Aggregation Database (gnomAD). Individuals harboring this variant presented with clinical features compatible with PDHA1-related PDHc deficiency. In summary, this variant meets criteria to be classified as pathogenic (P) for PDHA1-related PDHc deficiency based on the ACMG/AMP criteria applied: PVS1, PM2 (last assessment October 15, 2024).

OMIM
Classification: Pathogenic for PYRUVATE DEHYDROGENASE E1-ALPHA DEFICIENCY. Last evaluated: 2017-08-16. Review status: no assertion criteria provided. Collection method: literature only. Allele origin: germline.

Literature cited by the submitters: PubMed 8032855 (cited by PDHA1 Study Group, University Children’s Hospital, Paracelsus Medical University); DOI 10.1093/brain/awaf430 (cited by PDHA1 Study Group, University Children’s Hospital, Paracelsus Medical University); PubMed 7692352 (cited by OMIM).

NM_000284.4(PDHA1):c.861_862insT (p.Arg288fs)

Gene: PDHA1 (pyruvate dehydrogenase E1 subunit alpha 1; plus strand). Cytogenetic location: Xp22.12.
Variant type: Insertion.
Coding change: c.861_862insT on transcript NM_000284.4 (MANE Select); coding-DNA positions 861 to 862, T inserted.
Protein change: p.Arg288fs; shifts the reading frame from arginine 288.
Molecular consequence: frameshift variant.
Genome position: GRCh38 VCF-style: chrX-19357681-C-CT. GRCh37 (hg19) VCF-style: chrX-19375799-C-CT.
Other names: c.975_976insT, p.Arg326fs (NM_001173454.2); c.882_883insT, p.Arg295fs (NM_001173455.2); c.768_769insT, p.Arg257fs (NM_001173456.2); short protein forms R288fs, R295fs, R257fs, R326fs.
Identifiers: ClinVar variation 10886 (VCV000010886.3), dbSNP rs606231190, ClinGen allele CA121222.